The following is an entry in ClinVar:

NM_007180.3(TREH):c.1165A>G (p.Thr389Ala)

Gene: TREH (trehalase; minus strand). Cytogenetic location: 11q23.3.
Variant type: single nucleotide variant.
Coding change: c.1165A>G on transcript NM_007180.3 (MANE Select); coding-DNA position 1165, A replaced by G.
Protein change: p.Thr389Ala; replaces threonine 389 with alanine.
Molecular consequence: missense variant.
Genome position (GRCh38, 1-based): chr11:118,659,902, T>C on the plus strand (A>G on the coding strand, the complement: TREH is on the minus strand). VCF-style: chr11-118659902-T-C. GRCh37 (hg19) VCF-style: chr11-118530611-T-C.
Other names: c.1072A>G, p.Thr358Ala (NM_001301065.2); short protein forms T358A, T389A.
Identifiers: ClinVar variation 3060563 (VCV003060563.2), dbSNP rs2276065, ClinGen allele CA6307886.

ClinVar aggregate classification (germline): Benign (0 of 4 stars; one submission).

Conditions:
TREH-related disorder. Also called: TREH-related condition.

Allele frequency attached by ClinVar (database versions not stated): ESP Exome Variant Server 0.16394; TOPMed 0.19291; gnomAD 0.20203; 1000 Genomes Project 30x 0.21455; 1000 Genomes Project 0.21685; gnomAD exomes 0.23176; ExAC 0.25636.

Submission:

PreventionGenetics, part of Exact Sciences
Classification: Benign for TREH-related condition. Last evaluated: 2019-10-21. Review status: no assertion criteria provided. Collection method: clinical testing. Allele origin: germline.
Comment: This variant is classified as benign based on ACMG/AMP sequence variant interpretation guidelines (Richards et al. 2015 PMID: 25741868, with internal and published modifications).